The following is an entry in ClinVar:

NM_014780.5(CUL7):c.2975G>C (p.Arg992Pro)

Gene: CUL7 (cullin 7; minus strand). Cytogenetic location: 6p21.1.
Variant type: single nucleotide variant.
Coding change: c.2975G>C on transcript NM_014780.5 (MANE Select); coding-DNA position 2975, G replaced by C.
Protein change: p.Arg992Pro; replaces arginine 992 with proline.
Molecular consequence: missense variant.
Genome position (GRCh38, 1-based): chr6:43,045,290, C>G on the plus strand (G>C on the coding strand, the complement: CUL7 is on the minus strand). VCF-style: chr6-43045290-C-G. GRCh37 (hg19) VCF-style: chr6-43013028-C-G.
Other names: c.3071G>C, p.Arg1024Pro (NM_001168370.2, NM_001374872.1); c.2975G>C, p.Arg992Pro (NM_001374873.1, NM_001374874.1); short protein forms R1024P, R992P.
Identifiers: ClinVar variation 4847848 (VCV004847848.1).
Genomic context (GRCh38, chr6:43,045,290, plus strand): 5'-GAACTCAGGTGCAGGAGGCTCCTGCGGTCCTCTGCCATGTCCTGGCTCCAGGCCTGTGCC[C>G]GAACCATGTAGAAGAGGCGTGTGTGACGACAGAGCTGCTCCCGGAACACTGGCCAGAACG-3'
Protein context (NP_055595.2, residues 982-1002): CRHTRLFYMV[Arg992Pro]AQAWSQDMAE

ClinVar aggregate classification (germline): Uncertain significance (1 of 4 stars; one submission).

gnomAD v4.1: 2 of 1,614,204 alleles (0.00012%); highest among the groups gnomAD compares: East Asian, 0.0045%; no homozygotes.

Submission:

Women's Health and Genetics/Laboratory Corporation of America, LabCorp
Classification: Uncertain significance. Last evaluated: 2026-02-26. Review status: criteria provided, single submitter. Criteria: LabCorp Variant Classification Summary - May 2015. Collection method: clinical testing. Allele origin: germline.
Comment: Variant summary: CUL7 c.2975G>C (p.Arg992Pro) results in a non-conservative amino acid change in the encoded protein sequence. Algorithms developed to predict the effect of missense changes on protein structure and function all suggest that this variant is likely to be disruptive. The variant was absent in 251426 control chromosomes (gnomAD). c.2975G>C has been observed in one homozygous individual affected with Three M Syndrome 1 (Sasaki_2011). These data indicate that the variant may be associated with disease. To our knowledge, no experimental evidence demonstrating an impact on protein function has been reported. The following publications have been ascertained in the context of this evaluation (PMID: 41059455, 21166787). No submitters have cited clinical-significance assessments for this variant to ClinVar. Based on the evidence outlined above, the variant was classified as VUS-possibly pathogenic.

Literature cited by the submitters: PubMed 41059455; PubMed 21166787.